The following is an entry in ClinVar:

NM_000202.8(IDS):c.261C>A (p.Ser87Arg)

Gene: IDS (iduronate 2-sulfatase; minus strand). Cytogenetic location: Xq28.
Variant type: single nucleotide variant.
Coding change: c.261C>A on transcript NM_000202.8 (MANE Select); coding-DNA position 261, C replaced by A.
Protein change: p.Ser87Arg; replaces serine 87 with arginine.
Molecular consequence: missense variant. On other transcripts: non-coding transcript variant (1), intron variant (1).
Genome position (GRCh38, 1-based): chrX:149,503,469, G>T on the plus strand (C>A on the coding strand, the complement: IDS is on the minus strand). VCF-style: chrX-149503469-G-T. GRCh37 (hg19) VCF-style: chrX-148584999-G-T.
Other names: c.261C>A, p.Ser87Arg (NM_006123.5); c.15-24C>A (NM_001166550.4); short protein forms S87R.
Identifiers: ClinVar variation 3255639 (VCV003255639.2).
Genomic context (GRCh38, chrX:149,503,469, plus strand): 5'-GGAGTTGAAGTCGTACAGGCGGGTGGTGTCAGGTCTCCTGCCAGTGAGGAAAGAAACGCG[G>T]CTCGGGGCGCACACTGCTTGCTGTTAGGGAGCAGAAGCAGAGGTAAGCATCGCCACAGCA-3'
Protein context (NP_000193.1, residues 77-97): AFAQQAVCAP[Ser87Arg]RVSFLTGRRP

ClinVar aggregate classification (germline): Pathogenic (1 of 4 stars; one submission).

Conditions:
Mucopolysaccharidosis, MPS-II (MPS2). Also called: Hunter Syndrome; IDURONATE 2-SULFATASE DEFICIENCY; Mucopolysaccharidosis Type II; Mucopolysaccharidosis type 2; Attenuated MPS (subtype; formerly known as mild MPS II); Severe MPS II. Identifiers: Orphanet 580, Orphanet 79388, MedGen C0026705, MONDO:0010674, OMIM 309900.

Submission:

Laboratory of Diagnosis and Therapy of Lysosomal Disorders, University of Padova
Classification: Pathogenic for Mucopolysaccharidosis, MPS-II. Last evaluated: 2024-06-07. Review status: criteria provided, single submitter. Criteria: ACMG Guidelines, 2015. Collection method: literature only. Allele origin: germline. Affected: yes. Observed: 1 variant allele.
Comment: De novo (PS2_Moderate), Absent from controls (or at low frequency) in gnomAD database (PM2_Moderate), Missense variant in a gene with a low rate of benign missense variation (PP2_Supporting), Multiple lines of computational evidence support a deleterious effect (PP3_Supporting), Patient’s phenotype or family history highly specific for the disease (PP4_Strong)

Classification method: ACMG Guidelines [PMID:25741868] with modifications

Literature cited by the submitters: PubMed 36713083.